The following is an entry in ClinVar:

NM_001103.4(ACTN2):c.2413G>C (p.Gly805Arg)

Gene: ACTN2 (actinin alpha 2; plus strand). Cytogenetic location: 1q43.
Variant type: single nucleotide variant.
Coding change: c.2413G>C on transcript NM_001103.4 (MANE Select); coding-DNA position 2413, G replaced by C.
Protein change: p.Gly805Arg; replaces glycine 805 with arginine.
Molecular consequence: missense variant. On other transcripts: non-coding transcript variant (1).
Genome position (GRCh38, 1-based): chr1:236,761,060, G>C. VCF-style: chr1-236761060-G-C. GRCh37 (hg19) VCF-style: chr1-236924360-G-C.
Other names: c.2413G>C, p.Gly805Arg (NM_001278343.2); short protein forms G805R.
Identifiers: ClinVar variation 4613361 (VCV004613361.2).
Genomic context (GRCh38, chr1:236,761,060, plus strand): 5'-GCCACTTTGCCCCAGGGTGAAGCCGAATTTGCCCGCATTATGACCCTGGTAGATCCCAAC[G>C]GGCAAGGCACCGTCACCTTCCAATCCTTCATCGACTTCATGACTAGAGAGACGGCTGACA-3'
Protein context (NP_001094.1, residues 795-815): ARIMTLVDPN[Gly805Arg]QGTVTFQSFI

ClinVar aggregate classification (germline): Uncertain significance. Review status: criteria provided, multiple submitters, no conflicts (2 of 4 stars). 2 submissions from 2 submitters: Uncertain significance (2). Last evaluated 2025-12-24.

Conditions:
Cardiovascular phenotype. Identifiers: MedGen CN230736.
Dilated cardiomyopathy 1AA (CMD1AA). Also called: CARDIOMYOPATHY, DILATED, 1AA, WITH OR WITHOUT LEFT VENTRICULAR NONCOMPACTION; CARDIOMYOPATHY, FAMILIAL HYPERTROPHIC, 23, WITH OR WITHOUT LEFT VENTRICULAR NONCOMPACTION; Cardiomyopathy, dilated, 1AA, with or without LVNC. Identifiers: Orphanet 154, MedGen C2677338, MONDO:0012808, OMIM 612158.
Primary familial hypertrophic cardiomyopathy (HCM). Identifiers: Orphanet 99739, MedGen C0949658, MeSH D024741, MONDO:0024573. Inheritance: Various modes of inheritance.

Submissions (2):

Labcorp Genetics (formerly Invitae), Labcorp
Classification: Uncertain significance for Primary familial hypertrophic cardiomyopathy; Dilated cardiomyopathy 1AA. Last evaluated: 2025-12-24. Review status: criteria provided, single submitter. Criteria: Invitae Variant Classification Sherloc (09022015). Collection method: clinical testing. Allele origin: germline.
Comment: This sequence change replaces glycine, which is neutral and non-polar, with arginine, which is basic and polar, at codon 805 of the ACTN2 protein (p.Gly805Arg). This variant is not present in population databases (gnomAD no frequency). This variant has not been reported in the literature in individuals affected with ACTN2-related conditions. Invitae Evidence Modeling of protein sequence and biophysical properties (such as structural, functional, and spatial information, amino acid conservation, physicochemical variation, residue mobility, and thermodynamic stability) indicates that this missense variant is not expected to disrupt ACTN2 protein function with a negative predictive value of 80%. In summary, the available evidence is currently insufficient to determine the role of this variant in disease. Therefore, it has been classified as a Variant of Uncertain Significance.

Ambry Genetics
Classification: Uncertain significance for Cardiovascular phenotype. Last evaluated: 2025-10-31. Review status: criteria provided, single submitter. Criteria: Ambry Variant Classification Scheme 2023. Collection method: clinical testing. Allele origin: germline.
Comment: The p.G805R variant (also known as c.2413G>C), located in coding exon 20 of the ACTN2 gene, results from a G to C substitution at nucleotide position 2413. The glycine at codon 805 is replaced by arginine, an amino acid with dissimilar properties. This amino acid position is not well conserved in available vertebrate species. In addition, the in silico prediction for this alteration is inconclusive. Based on the available evidence, the clinical significance of this variant remains unclear.